The following is an entry in ClinVar:

NM_002485.5(NBN):c.1336G>A (p.Ala446Thr)

Gene: NBN (nibrin; minus strand). Cytogenetic location: 8q21.3.
Variant type: single nucleotide variant.
Coding change: c.1336G>A on transcript NM_002485.5 (MANE Select); coding-DNA position 1336, G replaced by A.
Protein change: p.Ala446Thr; replaces alanine 446 with threonine.
Molecular consequence: missense variant.
Genome position (GRCh38, 1-based): chr8:89,955,344, C>T on the plus strand (G>A on the coding strand, the complement: NBN is on the minus strand). VCF-style: chr8-89955344-C-T. GRCh37 (hg19) VCF-style: chr8-90967572-C-T.
Other names: c.1090G>A, p.Ala364Thr (NM_001024688.3); short protein forms A364T, A446T.
Identifiers: ClinVar variation 647757 (VCV000647757.11), dbSNP rs1586058411, ClinGen allele CA371656084.

ClinVar aggregate classification (germline): Uncertain significance. Review status: criteria provided, multiple submitters, no conflicts (2 of 4 stars). 4 submissions from 4 submitters: Uncertain significance (4). Last evaluated 2024-05-07.

Conditions:
Hereditary cancer-predisposing syndrome. Also called: Hereditary Cancer Syndrome; Tumor predisposition; Neoplastic Syndromes, Hereditary; Hereditary neoplastic syndrome. Identifiers: Orphanet 140162, MedGen C0027672, MeSH D009386, MONDO:0015356.
Microcephaly, normal intelligence and immunodeficiency (NBS). Also called: BERLIN BREAKAGE SYNDROME; Nijmegen breakage syndrome; Microcephaly with normal intelligence immunodeficiency and lymphoreticular malignancies; Nonsyndromal microcephaly autosomal recessive with normal intelligence; Seemanova syndrome 2; SEEMANOVA SYNDROME II. Identifiers: Orphanet 647, MedGen C0398791, MONDO:0009623, OMIM 251260.

Submissions (4):

Labcorp Genetics (formerly Invitae), Labcorp
Classification: Uncertain significance for Microcephaly, normal intelligence and immunodeficiency. Last evaluated: 2024-05-07. Review status: criteria provided, single submitter. Criteria: Invitae Variant Classification Sherloc (09022015). Collection method: clinical testing. Allele origin: germline.
Comment: This sequence change replaces alanine, which is neutral and non-polar, with threonine, which is neutral and polar, at codon 446 of the NBN protein (p.Ala446Thr). This variant is not present in population databases (gnomAD no frequency). This variant has not been reported in the literature in individuals affected with NBN-related conditions. ClinVar contains an entry for this variant (Variation ID: 647757). Algorithms developed to predict the effect of missense changes on protein structure and function output the following: SIFT: "Not Available"; PolyPhen-2: "Benign"; Align-GVGD: "Not Available". The threonine amino acid residue is found in multiple mammalian species, which suggests that this missense change does not adversely affect protein function. In summary, the available evidence is currently insufficient to determine the role of this variant in disease. Therefore, it has been classified as a Variant of Uncertain Significance.

Ambry Genetics
Classification: Uncertain significance for Hereditary cancer-predisposing syndrome. Last evaluated: 2023-09-27. Review status: criteria provided, single submitter. Criteria: Ambry Variant Classification Scheme 2023. Collection method: clinical testing. Allele origin: germline.
Comment: The p.A446T variant (also known as c.1336G>A), located in coding exon 10 of the NBN gene, results from a G to A substitution at nucleotide position 1336. The alanine at codon 446 is replaced by threonine, an amino acid with similar properties. This amino acid position is conserved. In addition, this alteration is predicted to be tolerated by in silico analysis. Since supporting evidence is limited at this time, the clinical significance of this alteration remains unclear.

Genome-Nilou Lab
Classification: Uncertain significance for Microcephaly, normal intelligence and immunodeficiency. Last evaluated: 2021-11-07. Review status: criteria provided, single submitter. Criteria: ACMG Guidelines, 2015. Collection method: clinical testing. Allele origin: germline. Affected: no.

GeneDx
Classification: Uncertain significance. Last evaluated: 2020-09-08. Review status: criteria provided, single submitter. Criteria: GeneDx Variant Classification Process June 2021. Collection method: clinical testing. Allele origin: germline. Affected: yes.
Comment: Not observed in large population cohorts (Lek et al., 2016); In silico analysis supports that this missense variant does not alter protein structure/function; Observed in an individual with triple negative breast cancer (Zhang 2018); This variant is associated with the following publications: (PMID: 29905759)